The following is an entry in ClinVar:

NM_000321.3(RB1):c.766G>C (p.Gly256Arg)

Gene: RB1 (RB transcriptional corepressor 1; plus strand). Cytogenetic location: 13q14.2.
Variant type: single nucleotide variant.
Coding change: c.766G>C on transcript NM_000321.3 (MANE Select); coding-DNA position 766, G replaced by C.
Protein change: p.Gly256Arg; replaces glycine 256 with arginine.
Molecular consequence: missense variant.
Genome position (GRCh38, 1-based): chr13:48,362,862, G>C. VCF-style: chr13-48362862-G-C. GRCh37 (hg19) VCF-style: chr13-48936998-G-C.
Other names: c.766G>C, p.Gly256Arg (NM_001407165.1, NM_001407166.1); short protein forms G256R.
Identifiers: ClinVar variation 3072414 (VCV003072414.2), dbSNP rs1952655715, ClinGen allele CA388159362.

ClinVar aggregate classification (germline): Uncertain significance. Review status: criteria provided, multiple submitters, no conflicts (2 of 4 stars). 2 submissions from 2 submitters: Uncertain significance (2). Last evaluated 2024-07-06.

Conditions:
Retinoblastoma (RB1). Also called: RETINOBLASTOMA, SOMATIC. Identifiers: Orphanet 790, MedGen C0035335, MeSH D012175, MONDO:0008380, OMIM 180200, HP:0009919. Disease mechanism: loss of function. Inheritance: Both sporadic and heritable forms are tested..
Hereditary cancer-predisposing syndrome. Also called: Hereditary neoplastic syndrome; Hereditary Cancer Syndrome; Neoplastic Syndromes, Hereditary; Tumor predisposition. Identifiers: Orphanet 140162, MedGen C0027672, MeSH D009386, MONDO:0015356.

Allele frequency attached by ClinVar (database versions not stated): TOPMed 0.00001.

Submissions (2):

Ambry Genetics
Classification: Uncertain significance for Hereditary cancer-predisposing syndrome. Last evaluated: 2024-07-06. Review status: criteria provided, single submitter. Criteria: Ambry Variant Classification Scheme 2023. Collection method: clinical testing. Allele origin: germline.
Comment: The p.G256R variant (also known as c.766G>C), located in coding exon 8 of the RB1 gene, results from a G to C substitution at nucleotide position 766. The glycine at codon 256 is replaced by arginine, an amino acid with dissimilar properties. This amino acid position is conserved. In addition, the in silico prediction for this alteration is inconclusive. Based on the available evidence, the clinical significance of this variant remains unclear.

All of Us Research Program, National Institutes of Health
Classification: Uncertain significance for Retinoblastoma. Last evaluated: 2023-08-15. Review status: criteria provided, single submitter. Criteria: ACMG Guidelines, 2015. Collection method: clinical testing. Allele origin: germline. Inheritance: Autosomal dominant inheritance. Observed: 1 variant allele, 1 heterozygote.
Comment: This study involves interpretation of variants in research participants for the purpose of population health screening. Participant phenotype was not available at the time of variant classification. Additional details can be found in publication PMID: 35346344, PMCID: PMC8962531